The following is an entry in ClinVar:

ClinVar aggregate classification (germline): Uncertain significance (1 of 4 stars; one submission).

Conditions:
Ataxia-telangiectasia syndrome (AT). Also called: ATAXIA-TELANGIECTASIA, FRESNO VARIANT; Ataxia-telangiectasia, complementation group E; Ataxia telangiectasia (A-T); Cerebello-oculocutaneous telangiectasia; Immunodeficiency with ataxia telangiectasia; LOUIS-BAR SYNDROME. Identifiers: Orphanet 100, MedGen C0004135, MONDO:0008840, OMIM 208900.

Submission:

Labcorp Genetics (formerly Invitae), Labcorp
Classification: Uncertain significance for Ataxia-telangiectasia syndrome. Last evaluated: 2019-10-19. Review status: criteria provided, single submitter. Criteria: Invitae Variant Classification Sherloc (09022015). Collection method: clinical testing. Allele origin: germline.
Comment: This variant results in a copy number gain of the genomic region encompassing the full coding sequence of the ATM gene. The boundaries of this event are unknown as they extend beyond the assayed region for this gene and therefore may encompass additional genes. As the precise location of this event is unknown, it may be in tandem or it may be located elsewhere in the genome. Similar duplications have not been reported in the literature in individuals with ATM-related disease. In summary, the available evidence is currently insufficient to determine the role of this variant in disease. Therefore, it has been classified as a Variant of Uncertain Significance.

NC_000011.9:g.(?_108098342)_(108236245_?)dup

Genes: ATM (ATM serine/threonine kinase; plus strand), C11orf65 (chromosome 11 open reading frame 65; minus strand), LOC128772356 (melanoma risk locus-associated MPRA allelic enhancer 11:108140516; plus strand), LOC129390352 (MPRA-validated peak1449 silencer; plus strand), LOC129390353 (MPRA-validated peak1450 silencer; plus strand) and 1 more. Cytogenetic location: 11q22.3.
Variant type: Duplication.
Identifiers: ClinVar variation 649639 (VCV000649639.2).